The following is an entry in ClinVar:

NM_016219.5(MAN1B1):c.*157C>G

Gene: MAN1B1 (mannosidase alpha class 1B member 1; plus strand). Cytogenetic location: 9q34.3.
Variant type: single nucleotide variant.
Coding change: c.*157C>G on transcript NM_016219.5 (MANE Select); 157 bases downstream of the stop codon, C replaced by G.
Molecular consequence: 3 prime UTR variant. On other transcripts: non-coding transcript variant (2).
Genome position (GRCh38, 1-based): chr9:137,108,748, C>G. VCF-style: chr9-137108748-C-G. GRCh37 (hg19) VCF-style: chr9-140003200-C-G.
Identifiers: ClinVar variation 365980 (VCV000365980.6), dbSNP rs61545361, ClinGen allele CA5359599.

ClinVar aggregate classification (germline): Benign. Review status: criteria provided, multiple submitters, no conflicts (2 of 4 stars). 2 submissions from 2 submitters: Benign (2). Last evaluated 2021-05-14.

Conditions:
Rafiq syndrome (RAFQS). Identifiers: Orphanet 88616, MedGen C3280127, MONDO:0013624, OMIM 614202.

Allele frequency attached by ClinVar (database versions not stated): ExAC 0.00815; gnomAD 0.01864 and 0.02001; TOPMed 0.02089; 1000 Genomes Project 0.02177; 1000 Genomes Project 30x 0.02295.
gnomAD v4.1: 4,222 of 754,098 alleles (0.56%); highest among the groups gnomAD compares: African/African-American, 6.4%; 123 homozygotes.

Submissions (2):

GeneDx
Classification: Benign. Last evaluated: 2021-05-14. Review status: criteria provided, single submitter. Criteria: GeneDx Variant Classification Process June 2021. Collection method: clinical testing. Allele origin: germline. Affected: yes.

Illumina Laboratory Services, Illumina
Classification: Benign for Rafiq syndrome. Last evaluated: 2018-01-13. Review status: criteria provided, single submitter. Criteria: ICSL Variant Classification Criteria 13 December 2019. Collection method: clinical testing. Allele origin: germline.
Comment: This variant was observed in the ICSL laboratory as part of a predisposition screen in an ostensibly healthy population. It had not been previously curated by ICSL or reported in the Human Gene Mutation Database (HGMD: prior to June 1st, 2018), and was therefore a candidate for classification through an automated scoring system. Utilizing variant allele frequency, disease prevalence and penetrance estimates, and inheritance mode, an automated score was calculated to assess if this variant is too frequent to cause the disease. Based on the score and internal cut-off values, a variant classified as benign is not then subjected to further curation. The score for this variant resulted in a classification of benign for this disease.